The following is an entry in ClinVar:

NM_022575.4(VPS16):c.2028C>T (p.Leu676=)

Genes: PTPRA (protein tyrosine phosphatase receptor type A; plus strand), VPS16 (VPS16 core subunit of CORVET and HOPS complexes; plus strand). Cytogenetic location: 20p13.
Variant type: single nucleotide variant.
Coding change: c.2028C>T on transcript NM_022575.4 (MANE Select); coding-DNA position 2028, C replaced by T.
Protein change: p.Leu676=; no amino-acid change (leucine 676 retained).
Molecular consequence: synonymous variant. On other transcripts: 5 prime UTR variant (1).
Genome position (GRCh38, 1-based): chr20:2,865,171, C>T. VCF-style: chr20-2865171-C-T. GRCh37 (hg19) VCF-style: chr20-2845817-C-T.
Other names: c.-275C>T (NM_002836.4); c.1596C>T, p.Leu532= (NM_080413.3).
Identifiers: ClinVar variation 2652163 (VCV002652163.22), dbSNP rs149911458, ClinGen allele CA9737986.

ClinVar aggregate classification (germline): Likely benign (1 of 4 stars; one submission).

Allele frequency attached by ClinVar (database versions not stated): gnomAD 0.00052; TOPMed 0.00056; ESP Exome Variant Server 0.00077; 1000 Genomes Project 30x 0.00016; 1000 Genomes Project 0.00020; ExAC 0.00044.
gnomAD v4.1: 1,195 of 1,614,176 alleles (0.074%); highest among the groups gnomAD compares: Non-Finnish European, 0.095%; no homozygotes.

Submission:

CeGaT Center for Human Genetics Tuebingen
Classification: Likely benign. Last evaluated: 2025-10-01. Review status: criteria provided, single submitter. Criteria: CeGaT Center For Human Genetics Tuebingen Variant Classification Criteria Version 2. Collection method: clinical testing. Allele origin: germline. Affected: yes. Observed: 6 variant alleles.
Comment: VPS16: BP4, BP7